The following is an entry in ClinVar:

NM_001376232.1(ZP2):c.1090G>A (p.Val364Ile)

Gene: ZP2 (zona pellucida glycoprotein 2; minus strand). Cytogenetic location: 16p12.2.
Variant type: single nucleotide variant.
Coding change: c.1090G>A on transcript NM_001376232.1 (MANE Select); coding-DNA position 1090, G replaced by A.
Protein change: p.Val364Ile; replaces valine 364 with isoleucine.
Molecular consequence: missense variant. On other transcripts: non-coding transcript variant (1).
Genome position (GRCh38, 1-based): chr16:21,203,134, C>T on the plus strand (G>A on the coding strand, the complement: ZP2 is on the minus strand). VCF-style: chr16-21203134-C-T. GRCh37 (hg19) VCF-style: chr16-21214455-C-T.
Other names: c.1090G>A, p.Val364Ile (NM_001376231.1, NM_001376233.1, NM_003460.2); c.1090G>A (NM_003460.1); short protein forms V364I.
Identifiers: ClinVar variation 2570934 (VCV002570934.28), dbSNP rs151236566, ClinGen allele CA7949850.

ClinVar aggregate classification (germline): Uncertain significance. Review status: criteria provided, multiple submitters, no conflicts (2 of 4 stars). 2 submissions from 2 submitters: Uncertain significance (2). Last evaluated 2024-04-26.

Allele frequency attached by ClinVar (database versions not stated): ESP Exome Variant Server 0.00008.

Submissions (2):

Ambry Genetics
Classification: Uncertain significance. Last evaluated: 2024-04-26. Review status: criteria provided, single submitter. Criteria: Ambry Variant Classification Scheme 2023. Collection method: clinical testing. Allele origin: germline.

CeGaT Center for Human Genetics Tuebingen
Classification: Uncertain significance. Last evaluated: 2023-04-01. Review status: criteria provided, single submitter. Criteria: CeGaT Center For Human Genetics Tuebingen Variant Classification Criteria Version 2. Collection method: clinical testing. Allele origin: germline. Affected: yes. Observed: 1 variant allele.
Comment: ZP2: PM2, BP4